The following is an entry in ClinVar:

ClinVar aggregate classification (germline): Benign/Likely benign. Review status: criteria provided, multiple submitters, no conflicts (2 of 4 stars). 5 submissions from 5 submitters: Benign (1); Likely benign (2). 2 of the submissions do not count toward it. Last evaluated 2026-02-01.

Allele frequency attached by ClinVar (database versions not stated): gnomAD exomes 0.00026 and 0.00057; ExAC 0.00056; 1000 Genomes Project 0.00140; 1000 Genomes Project 30x 0.00141; ESP Exome Variant Server 0.00173; gnomAD 0.00200 and 0.00217; TOPMed 0.00247.
gnomAD v4.1: 709 of 1,613,674 alleles (0.044%); highest among the groups gnomAD compares: African/African-American, 0.67%; 2 homozygotes.

Submissions (5):

CeGaT Center for Human Genetics Tuebingen
Classification: Likely benign. Last evaluated: 2026-02-01. Review status: criteria provided, single submitter. Criteria: CeGaT Center For Human Genetics Tuebingen Variant Classification Criteria Version 2. Collection method: clinical testing. Allele origin: germline. Affected: yes. Observed: 4 variant alleles.
Comment: CACNA1B: BP4, BP7

Labcorp Genetics (formerly Invitae), Labcorp
Classification: Benign. Last evaluated: 2026-01-19. Review status: criteria provided, single submitter. Criteria: Invitae Variant Classification Sherloc (09022015). Collection method: clinical testing. Allele origin: germline.

Blueprint Genetics
Classification: Likely benign. Last evaluated: 2024-10-14. Review status: criteria provided, single submitter. Criteria: ACMG Guidelines, 2015. Collection method: clinical testing. Allele origin: germline.

Clinical Genetics DNA and cytogenetics Diagnostics Lab, Erasmus MC, Erasmus Medical Center
Classification: Likely benign. Review status: no assertion criteria provided. Collection method: clinical testing. Allele origin: germline. Affected: yes. Study: VKGL Data-share Consensus. Not counted in ClinVar's aggregate classification.

Diagnostic Laboratory, Department of Genetics, University Medical Center Groningen
Classification: Likely benign. Review status: no assertion criteria provided. Collection method: clinical testing. Allele origin: germline. Affected: yes. Study: VKGL Data-share Consensus. Not counted in ClinVar's aggregate classification.

NM_000718.4(CACNA1B):c.4959G>A (p.Thr1653=)

Gene: CACNA1B (calcium voltage-gated channel subunit alpha1 B; plus strand). Cytogenetic location: 9q34.3.
Variant type: single nucleotide variant.
Coding change: c.4959G>A on transcript NM_000718.4 (MANE Select); coding-DNA position 4959, G replaced by A.
Protein change: p.Thr1653=; no amino-acid change (threonine 1653 retained).
Molecular consequence: synonymous variant.
Genome position (GRCh38, 1-based): chr9:138,078,123, G>A. VCF-style: chr9-138078123-G-A. GRCh37 (hg19) VCF-style: chr9-140972575-G-A.
Other names: c.4959G>A, p.Thr1653= (NM_001243812.2).
Identifiers: ClinVar variation 730408 (VCV000730408.34), dbSNP rs150165282, ClinGen allele CA5377229.